The following is an entry in ClinVar:

ClinVar aggregate classification (germline): Uncertain significance (1 of 4 stars; one submission).

Allele frequency attached by ClinVar (database versions not stated): gnomAD exomes below 0.00001; gnomAD 0.00001; TOPMed 0.00002.
gnomAD v4.1: 5 of 1,613,172 alleles (0.00031%); highest among the groups gnomAD compares: African/African-American, 0.0067%; no homozygotes.

Submission:

Labcorp Genetics (formerly Invitae), Labcorp
Classification: Uncertain significance. Last evaluated: 2022-08-16. Review status: criteria provided, single submitter. Criteria: Invitae Variant Classification Sherloc (09022015). Collection method: clinical testing. Allele origin: germline.
Comment: This sequence change replaces valine, which is neutral and non-polar, with leucine, which is neutral and non-polar, at codon 32 of the OCA2 protein (p.Val32Leu). This variant is present in population databases (no rsID available, gnomAD 0.007%). This variant has not been reported in the literature in individuals affected with OCA2-related conditions. ClinVar contains an entry for this variant (Variation ID: 1438501). Advanced modeling of protein sequence and biophysical properties (such as structural, functional, and spatial information, amino acid conservation, physicochemical variation, residue mobility, and thermodynamic stability) performed at Invitae indicates that this missense variant is not expected to disrupt OCA2 protein function. In summary, the available evidence is currently insufficient to determine the role of this variant in disease. Therefore, it has been classified as a Variant of Uncertain Significance.

NM_000275.3(OCA2):c.94G>T (p.Val32Leu)

Gene: OCA2 (OCA2 melanosomal transmembrane protein; minus strand). Cytogenetic location: 15q13.1.
Variant type: single nucleotide variant.
Coding change: c.94G>T on transcript NM_000275.3 (MANE Select); coding-DNA position 94, G replaced by T.
Protein change: p.Val32Leu; replaces valine 32 with leucine.
Molecular consequence: missense variant.
Genome position (GRCh38, 1-based): chr15:28,081,781, C>A on the plus strand (G>T on the coding strand, the complement: OCA2 is on the minus strand). VCF-style: chr15-28081781-C-A. GRCh37 (hg19) VCF-style: chr15-28326927-C-A.
Other names: c.94G>T, p.Val32Leu (NM_001300984.2); short protein forms V32L.
Identifiers: ClinVar variation 1438501 (VCV001438501.3), dbSNP rs1321894065, ClinGen allele CA391366771.